The following is an entry in ClinVar:

ClinVar aggregate classification (germline): Conflicting classifications of pathogenicity. Review status: criteria provided, conflicting classifications (1 of 4 stars). 3 submissions from 3 submitters: Uncertain significance (2); Likely benign (1). Last evaluated 2026-05-01.

Allele frequency attached by ClinVar (database versions not stated): gnomAD exomes 0.00001 and 0.00007; ExAC 0.00004; gnomAD 0.00004 and 0.00005; TOPMed 0.00004; 1000 Genomes Project 30x 0.00016; 1000 Genomes Project 0.00020.
gnomAD v4.1: 29 of 1,613,984 alleles (0.0018%); highest among the groups gnomAD compares: East Asian, 0.062%; no homozygotes.

Submissions (3):

CeGaT Center for Human Genetics Tuebingen
Classification: Uncertain significance. Last evaluated: 2026-05-01. Review status: criteria provided, single submitter. Criteria: CeGaT Center For Human Genetics Tuebingen Variant Classification Criteria Version 2. Collection method: clinical testing. Allele origin: germline. Affected: yes. Observed: 1 variant allele.
Comment: PRKN: PM2, BP4

Labcorp Genetics (formerly Invitae), Labcorp
Classification: Likely benign. Last evaluated: 2025-08-13. Review status: criteria provided, single submitter. Criteria: Invitae Variant Classification Sherloc (09022015). Collection method: clinical testing. Allele origin: germline.

Department of Neurology, Qilu Hospital of Shandong University
Classification: Uncertain significance. Last evaluated: 2021-04-01. Review status: criteria provided, single submitter. Criteria: ACMG2015. Collection method: clinical testing. Allele origin: germline. Affected: yes. Observed: 1 variant allele.

NM_004562.3(PRKN):c.1186A>G (p.Arg396Gly)

Gene: PRKN (parkin RBR E3 ubiquitin protein ligase; minus strand). Cytogenetic location: 6q26.
Variant type: single nucleotide variant.
Coding change: c.1186A>G on transcript NM_004562.3 (MANE Select); coding-DNA position 1186, A replaced by G.
Protein change: p.Arg396Gly; replaces arginine 396 with glycine.
Molecular consequence: missense variant.
Genome position (GRCh38, 1-based): chr6:161,360,187, T>C on the plus strand (A>G on the coding strand, the complement: PRKN is on the minus strand). VCF-style: chr6-161360187-T-C. GRCh37 (hg19) VCF-style: chr6-161781219-T-C.
Other names: c.1102A>G, p.Arg368Gly (NM_013987.3); c.739A>G, p.Arg247Gly (NM_013988.3); short protein forms R247G, R368G, R396G.
Identifiers: ClinVar variation 1594229 (VCV001594229.11), dbSNP rs539917500, ClinGen allele CA4089987.